The following is an entry in ClinVar:

ClinVar aggregate classification (germline): Uncertain significance (1 of 4 stars; one submission).

Submission:

CeGaT Center for Human Genetics Tuebingen
Classification: Uncertain significance. Last evaluated: 2024-03-01. Review status: criteria provided, single submitter. Criteria: CeGaT Center For Human Genetics Tuebingen Variant Classification Criteria Version 2. Collection method: clinical testing. Allele origin: germline. Affected: yes. Observed: 1 variant allele.
Comment: TNFRSF13C: PM2

NM_052945.4(TNFRSF13C):c.239G>A (p.Gly80Asp)

Genes: TNFRSF13C (TNF receptor superfamily member 13C; minus strand), LOC130067574 (ATAC-STARR-seq lymphoblastoid silent region 13813; plus strand). Cytogenetic location: 22q13.2.
Variant type: single nucleotide variant.
Coding change: c.239G>A on transcript NM_052945.4 (MANE Select); coding-DNA position 239, G replaced by A.
Protein change: p.Gly80Asp; replaces glycine 80 with aspartic acid.
Molecular consequence: missense variant.
Genome position (GRCh38, 1-based): chr22:41,926,229, C>T on the plus strand (G>A on the coding strand, the complement: TNFRSF13C is on the minus strand). VCF-style: chr22-41926229-C-T. GRCh37 (hg19) VCF-style: chr22-42322233-C-T.
Other names: short protein forms G80D.
Identifiers: ClinVar variation 3067679 (VCV003067679.21), dbSNP rs2518791158, ClinGen allele CA411763217.